The following is an entry in ClinVar:

ClinVar aggregate classification (germline): Uncertain significance (1 of 4 stars; one submission).

Allele frequency attached by ClinVar (database versions not stated): gnomAD exomes 0.00001; ExAC 0.00007.
gnomAD v4.1: 14 of 1,553,476 alleles (0.0009%); highest among the groups gnomAD compares: Middle Eastern, 0.16%; no homozygotes.

Submission:

Labcorp Genetics (formerly Invitae), Labcorp
Classification: Uncertain significance. Last evaluated: 2023-06-16. Review status: criteria provided, single submitter. Criteria: Invitae Variant Classification Sherloc (09022015). Collection method: clinical testing. Allele origin: germline.
Comment: This variant has not been reported in the literature in individuals affected with MPLKIP-related conditions. Algorithms developed to predict the effect of missense changes on protein structure and function output the following: SIFT: "Not Available"; PolyPhen-2: "Benign"; Align-GVGD: "Not Available". The asparagine amino acid residue is found in multiple mammalian species, which suggests that this missense change does not adversely affect protein function. ClinVar contains an entry for this variant (Variation ID: 1496700). The frequency data for this variant in the population databases is considered unreliable, as metrics indicate poor data quality at this position in the gnomAD database. In summary, the available evidence is currently insufficient to determine the role of this variant in disease. Therefore, it has been classified as a Variant of Uncertain Significance. This sequence change replaces serine, which is neutral and polar, with asparagine, which is neutral and polar, at codon 72 of the MPLKIP protein (p.Ser72Asn).

NM_138701.4(MPLKIP):c.215G>A (p.Ser72Asn)

Genes: MPLKIP (M-phase specific PLK1 interacting protein; minus strand), LOC129998295 (ATAC-STARR-seq lymphoblastoid silent region 18117; plus strand). Cytogenetic location: 7p14.1.
Variant type: single nucleotide variant.
Coding change: c.215G>A on transcript NM_138701.4 (MANE Select); coding-DNA position 215, G replaced by A.
Protein change: p.Ser72Asn; replaces serine 72 with asparagine.
Molecular consequence: missense variant.
Genome position (GRCh38, 1-based): chr7:40,134,353, C>T on the plus strand (G>A on the coding strand, the complement: MPLKIP is on the minus strand). VCF-style: chr7-40134353-C-T. GRCh37 (hg19) VCF-style: chr7-40173952-C-T.
Other names: short protein forms S72N.
Identifiers: ClinVar variation 1496700 (VCV001496700.8), dbSNP rs761205739, ClinGen allele CA4229220.